The following is an entry in ClinVar:

ClinVar aggregate classification (germline): Uncertain significance. Review status: criteria provided, multiple submitters, no conflicts (2 of 4 stars). 3 submissions from 3 submitters: Uncertain significance (3). Last evaluated 2026-08-19.

Allele frequency attached by ClinVar (database versions not stated): TOPMed 0.00002; gnomAD 0.00003 and 0.00004; ESP Exome Variant Server 0.00008; gnomAD exomes 0.00015; ExAC 0.00023.
gnomAD v4.1: 149 of 1,612,638 alleles (0.0092%); highest among the groups gnomAD compares: Non-Finnish European, 0.011%; no homozygotes.

Submissions (3):

GeneDx
Classification: Uncertain significance. Last evaluated: 2026-08-19. Review status: criteria provided, single submitter. Criteria: GeneDx Variant Classification Process June 2021. Collection method: clinical testing. Allele origin: germline.
Comment: In silico analysis suggests that this missense variant does not alter protein structure/function; Has not been previously published as pathogenic or benign to our knowledge

Blueprint Genetics
Classification: Uncertain significance. Last evaluated: 2024-09-17. Review status: criteria provided, single submitter. Criteria: ACMG Guidelines, 2015. Collection method: clinical testing. Allele origin: germline.

Labcorp Genetics (formerly Invitae), Labcorp
Classification: Uncertain significance. Last evaluated: 2022-06-28. Review status: criteria provided, single submitter. Criteria: Invitae Variant Classification Sherloc (09022015). Collection method: clinical testing. Allele origin: germline.
Comment: This sequence change replaces arginine, which is basic and polar, with histidine, which is basic and polar, at codon 156 of the CAD protein (p.Arg156His). This variant is present in population databases (rs147103288, gnomAD 0.03%). This variant has not been reported in the literature in individuals affected with CAD-related conditions. Algorithms developed to predict the effect of missense changes on protein structure and function (SIFT, PolyPhen-2, Align-GVGD) all suggest that this variant is likely to be tolerated. In summary, the available evidence is currently insufficient to determine the role of this variant in disease. Therefore, it has been classified as a Variant of Uncertain Significance.

NM_004341.5(CAD):c.467G>A (p.Arg156His)

Gene: CAD (carbamoyl-phosphate synthetase 2, aspartate transcarbamylase, and dihydroorotase; plus strand). Cytogenetic location: 2p23.3.
Variant type: single nucleotide variant.
Coding change: c.467G>A on transcript NM_004341.5 (MANE Select); coding-DNA position 467, G replaced by A.
Protein change: p.Arg156His; replaces arginine 156 with histidine.
Molecular consequence: missense variant.
Genome position (GRCh38, 1-based): chr2:27,222,308, G>A. VCF-style: chr2-27222308-G-A. GRCh37 (hg19) VCF-style: chr2-27445176-G-A.
Other names: c.467G>A, p.Arg156His (NM_001306079.2); c.467G>A (NM_004341.3); short protein forms R156H.
Identifiers: ClinVar variation 1445950 (VCV001445950.7), dbSNP rs147103288, ClinGen allele CA1572421.